The following is an entry in ClinVar:

NM_000156.6(GAMT):c.233T>A (p.Val78Glu)

Gene: GAMT (guanidinoacetate N-methyltransferase; minus strand). Cytogenetic location: 19p13.3.
Variant type: single nucleotide variant.
Coding change: c.233T>A on transcript NM_000156.6 (MANE Select); coding-DNA position 233, T replaced by A.
Protein change: p.Val78Glu; replaces valine 78 with glutamic acid.
Molecular consequence: missense variant.
Genome position (GRCh38, 1-based): chr19:1,399,887, A>T on the plus strand (T>A on the coding strand, the complement: GAMT is on the minus strand). VCF-style: chr19-1399887-A-T. GRCh37 (hg19) VCF-style: chr19-1399886-A-T.
Other names: NM_138924.3:c.233T>A; c.233T>A, p.Val78Glu (NM_138924.3); short protein forms V78E.
Identifiers: ClinVar variation 2683728 (VCV002683728.5), dbSNP rs1600159342, ClinGen allele CA402996857.

ClinVar aggregate classification (germline): Likely pathogenic. Review status: reviewed by expert panel (3 of 4 stars). 2 submissions from 2 submitters: Likely pathogenic (1). 1 of the submissions does not count toward it. Last evaluated 2025-10-15.

Conditions:
Cerebral creatine deficiency syndrome. Also called: Creatine deficiency syndromes. Identifiers: Orphanet 79172, MedGen C5244016, MONDO:0000456.
Deficiency of guanidinoacetate methyltransferase (CCDS2). Also called: Guanidinoacetate Methyltransferase (GAMT) Deficiency; GAMT DEFICIENCY; CEREBRAL CREATINE DEFICIENCY SYNDROME 2. Identifiers: Orphanet 382, MedGen C0574080, MONDO:0012999, OMIM 612736.

Allele frequency attached by ClinVar (database versions not stated): gnomAD exomes below 0.00001.
gnomAD v4.1: 2 of 1,608,178 alleles (0.00012%); highest among the groups gnomAD compares: Non-Finnish European, 0.00017%; no homozygotes.

Submissions (2):

ClinGen Cerebral Creatine Deficiency Syndromes Variant Curation Expert Panel, ClinGen
Classification: Likely pathogenic for Deficiency of guanidinoacetate methyltransferase. Last evaluated: 2025-10-15. Review status: reviewed by expert panel. Criteria: ClinGen CCDS ACMG Specifications GAMT V2.0.0. Collection method: curation. Allele origin: germline. Inheritance: Autosomal recessive inheritance.
Comment: The NM_000156.6:c.233T>A variant in GAMT is a missense variant predicted to cause substitution of valine by glutamic acid at amino acid 78 (p.Val78Glu). This variant has been detected in two siblings with GAMT deficiency from one family (PMID: 23660394, PMID: 24268530, PMID: 24071436). The proband showed elevated guanidinoacetate and low creatine in plasma, elevated urine guanidinoacetate, and low creatine peak on brain MRS (PMID: 24071436) (PP4_Strong). These individuals were reported to be compound heterozygous for the variant and another variant in GAMT that has been classified as pathogenic for GAMT deficiency by the ClinGen CCDS VCEP, c.299_311dup13 (p.Arg105GfsTer26) (ClinVar Variation ID: 8302); the variants were confirmed to be in trans (PMID: 23660394, PMID: 24268530, PMID: 24071436) (1pt) (PM3). The highest population minor allele frequency in gnomAD v4.1.0. is 0.0000016 (2/1178172 alleles) in the non-Finnish European population, which is lower than the ClinGen CCDS VCEP’s threshold for PM2_Supporting (<0.0004), meeting this criterion (PM2_Supporting). The computational predictor REVEL gives a score of 0.794 which is above the threshold of 0.75, evidence that correlates with impact to GAMT function (PP3). There is no ClinVar entry for this variant. In summary, this variant meets the criteria to be classified as likely pathogenic for GAMT deficiency based on the ACMG/AMP criteria applied, as specified by the ClinGen Cerebral Creatine Deficiency Syndromes Variant Curation Expert Panel (Specifications Version 2.0.0): PP4_Strong, PM3, PP3, PM2_Supporting, (Classification approved by the ClinGen Cerebral Creatine Deficiency Syndromes Variant Curation Expert Panel on October 15, 2025)

Labcorp Genetics (formerly Invitae), Labcorp
Classification: Likely pathogenic for Cerebral creatine deficiency syndrome. Last evaluated: 2022-11-10. Review status: criteria provided, single submitter. Criteria: Invitae Variant Classification Sherloc (09022015). Collection method: clinical testing. Allele origin: germline. Not counted in ClinVar's aggregate classification.
Comment: This variant is not present in population databases (gnomAD no frequency). This missense change has been observed in individual(s) with GAMT deficiency (PMID: 23660394, 24071436; Invitae). In at least one individual the data is consistent with being in trans (on the opposite chromosome) from a pathogenic variant. Advanced modeling of protein sequence and biophysical properties (such as structural, functional, and spatial information, amino acid conservation, physicochemical variation, residue mobility, and thermodynamic stability) has been performed at Invitae for this missense variant, however the output from this modeling did not meet the statistical confidence thresholds required to predict the impact of this variant on GAMT protein function. In summary, the currently available evidence indicates that the variant is pathogenic, but additional data are needed to prove that conclusively. Therefore, this variant has been classified as Likely Pathogenic. This sequence change replaces valine, which is neutral and non-polar, with glutamic acid, which is acidic and polar, at codon 78 of the GAMT protein (p.Val78Glu).

Literature cited by the submitters: PubMed 23660394 (cited by Labcorp Genetics (formerly Invitae), Labcorp); PubMed 24071436 (cited by Labcorp Genetics (formerly Invitae), Labcorp).